The following is an entry in ClinVar:

NM_001242896.3(DEPDC5):c.2534G>A (p.Arg845His)

Gene: DEPDC5 (DEP domain containing 5, GATOR1 subcomplex subunit; plus strand). Cytogenetic location: 22q12.3.
Variant type: single nucleotide variant.
Coding change: c.2534G>A on transcript NM_001242896.3 (MANE Select); coding-DNA position 2534, G replaced by A.
Protein change: p.Arg845His; replaces arginine 845 with histidine.
Molecular consequence: missense variant. On other transcripts: non-coding transcript variant (5).
Genome position (GRCh38, 1-based): chr22:31,843,113, G>A. VCF-style: chr22-31843113-G-A. GRCh37 (hg19) VCF-style: chr22-32239099-G-A.
Other names: c.2507G>A, p.Arg836His (NM_001136029.4, NM_001369903.1, NM_014662.6); c.2300G>A, p.Arg767His (NM_001242897.2, NM_001363854.2, NM_001364319.2); c.2534G>A, p.Arg845His (NM_001363852.2, NM_001364318.2, NM_001364320.2); c.2450G>A, p.Arg817His (NM_001369901.1, NM_001369902.1); short protein forms R767H, R836H, R845H, R817H.
Identifiers: ClinVar variation 1380852 (VCV001380852.7), dbSNP rs1396979413, ClinGen allele CA411288299.

ClinVar aggregate classification (germline): Uncertain significance. Review status: criteria provided, multiple submitters, no conflicts (2 of 4 stars). 2 submissions from 2 submitters: Uncertain significance (2). Last evaluated 2025-11-11.

Conditions:
Familial focal epilepsy with variable foci (FPEVF). Identifiers: Orphanet 98820, MedGen C1858477, MONDO:0020310.

Allele frequency attached by ClinVar (database versions not stated): gnomAD 0.00001; TOPMed 0.00001.
gnomAD v4.1: 17 of 1,613,598 alleles (0.0011%); highest among the groups gnomAD compares: South Asian, 0.0066%; no homozygotes.

Submissions (2):

Women's Health and Genetics/Laboratory Corporation of America, LabCorp
Classification: Uncertain significance. Last evaluated: 2025-11-11. Review status: criteria provided, single submitter. Criteria: LabCorp Variant Classification Summary - May 2015. Collection method: clinical testing. Allele origin: germline.
Comment: Variant summary: DEPDC5 c.2534G>A (p.Arg845His) results in a non-conservative amino acid change in the encoded protein sequence. Algorithms developed to predict the effect of missense changes on protein structure and function are either unavailable or do not agree on the potential impact of this missense change. The variant allele was found at a frequency of 1.6e-05 in 248920 control chromosomes. The available data on variant occurrences in the general population are insufficient to allow any conclusion about variant significance. To our knowledge, no occurrence of c.2534G>A in individuals affected with DEPDC5-related conditions and no experimental evidence demonstrating its impact on protein function have been reported. ClinVar contains an entry for this variant (Variation ID: 1380852). Based on the evidence outlined above, the variant was classified as uncertain significance.

Labcorp Genetics (formerly Invitae), Labcorp
Classification: Uncertain significance for Familial focal epilepsy with variable foci. Last evaluated: 2024-11-21. Review status: criteria provided, single submitter. Criteria: Invitae Variant Classification Sherloc (09022015). Collection method: clinical testing. Allele origin: germline.
Comment: This sequence change replaces arginine, which is basic and polar, with histidine, which is basic and polar, at codon 845 of the DEPDC5 protein (p.Arg845His). This variant is present in population databases (no rsID available, gnomAD 0.007%). This variant has not been reported in the literature in individuals affected with DEPDC5-related conditions. ClinVar contains an entry for this variant (Variation ID: 1380852). Experimental studies and prediction algorithms are not available or were not evaluated, and the functional significance of this variant is currently unknown. In summary, the available evidence is currently insufficient to determine the role of this variant in disease. Therefore, it has been classified as a Variant of Uncertain Significance.